The following is an entry in ClinVar:

ClinVar aggregate classification (germline): Uncertain significance. Review status: criteria provided, multiple submitters, no conflicts (2 of 4 stars). 2 submissions from 2 submitters: Uncertain significance (2). Last evaluated 2025-08-06.

Allele frequency attached by ClinVar (database versions not stated): TOPMed below 0.00001; gnomAD 0.00001; gnomAD exomes 0.00001; ExAC 0.00002.

Submissions (2):

Ambry Genetics
Classification: Uncertain significance. Last evaluated: 2025-08-06. Review status: criteria provided, single submitter. Criteria: Ambry Variant Classification Scheme 2023. Collection method: clinical testing. Allele origin: germline.

Labcorp Genetics (formerly Invitae), Labcorp
Classification: Uncertain significance. Last evaluated: 2024-01-16. Review status: criteria provided, single submitter. Criteria: Invitae Variant Classification Sherloc (09022015). Collection method: clinical testing. Allele origin: germline.
Comment: This sequence change replaces arginine, which is basic and polar, with cysteine, which is neutral and slightly polar, at codon 324 of the KIF20A protein (p.Arg324Cys). This variant is present in population databases (rs745761982, gnomAD 0.01%). This variant has not been reported in the literature in individuals affected with KIF20A-related conditions. An algorithm developed to predict the effect of missense changes on protein structure and function (PolyPhen-2) suggests that this variant is likely to be disruptive. In summary, the available evidence is currently insufficient to determine the role of this variant in disease. Therefore, it has been classified as a Variant of Uncertain Significance.

NM_005733.3(KIF20A):c.970C>T (p.Arg324Cys)

Gene: KIF20A (kinesin family member 20A; plus strand). Cytogenetic location: 5q31.2.
Variant type: single nucleotide variant.
Coding change: c.970C>T on transcript NM_005733.3 (MANE Select); coding-DNA position 970, C replaced by T.
Protein change: p.Arg324Cys; replaces arginine 324 with cysteine.
Molecular consequence: missense variant.
Genome position (GRCh38, 1-based): chr5:138,183,306, C>T. VCF-style: chr5-138183306-C-T. GRCh37 (hg19) VCF-style: chr5-137518995-C-T.
Other names: c.970C>T (NM_005733.2); short protein forms R324C.
Identifiers: ClinVar variation 2989131 (VCV002989131.4), dbSNP rs745761982, ClinGen allele CA3426450.